The following is an entry in ClinVar:

NM_004104.5(FASN):c.5576A>G (p.Glu1859Gly)

Gene: FASN (fatty acid synthase; minus strand). Cytogenetic location: 17q25.3.
Variant type: single nucleotide variant.
Coding change: c.5576A>G on transcript NM_004104.5 (MANE Select); coding-DNA position 5576, A replaced by G.
Protein change: p.Glu1859Gly; replaces glutamic acid 1859 with glycine.
Molecular consequence: missense variant.
Genome position (GRCh38, 1-based): chr17:82,083,105, T>C on the plus strand (A>G on the coding strand, the complement: FASN is on the minus strand). VCF-style: chr17-82083105-T-C. GRCh37 (hg19) VCF-style: chr17-80040981-T-C.
Other names: short protein forms E1859G.
Identifiers: ClinVar variation 662582 (VCV000662582.6), dbSNP rs1598574613, ClinGen allele CA401536138.

ClinVar aggregate classification (germline): Uncertain significance. Review status: criteria provided, multiple submitters, no conflicts (2 of 4 stars). 2 submissions from 2 submitters: Uncertain significance (2). Last evaluated 2024-04-15.

Conditions:
Epileptic encephalopathy. Identifiers: MedGen C0543888, HP:0200134.

Allele frequency attached by ClinVar (database versions not stated): gnomAD 0.00001; gnomAD exomes 0.00001; TOPMed 0.00001.
gnomAD v4.1: 17 of 1,610,352 alleles (0.0011%); highest among the groups gnomAD compares: Middle Eastern, 0.016%; no homozygotes.

Submissions (2):

Labcorp Genetics (formerly Invitae), Labcorp
Classification: Uncertain significance for Epileptic encephalopathy. Last evaluated: 2024-04-15. Review status: criteria provided, single submitter. Criteria: Invitae Variant Classification Sherloc (09022015). Collection method: clinical testing. Allele origin: germline.
Comment: This sequence change replaces glutamic acid, which is acidic and polar, with glycine, which is neutral and non-polar, at codon 1859 of the FASN protein (p.Glu1859Gly). This variant is not present in population databases (gnomAD no frequency). This variant has not been reported in the literature in individuals affected with FASN-related conditions. ClinVar contains an entry for this variant (Variation ID: 662582). An algorithm developed to predict the effect of missense changes on protein structure and function (PolyPhen-2) suggests that this variant is likely to be disruptive. In summary, the available evidence is currently insufficient to determine the role of this variant in disease. Therefore, it has been classified as a Variant of Uncertain Significance.

Ambry Genetics
Classification: Uncertain significance. Last evaluated: 2024-01-23. Review status: criteria provided, single submitter. Criteria: Ambry Variant Classification Scheme 2023. Collection method: clinical testing. Allele origin: germline.